The following is an entry in ClinVar:

NM_004239.4(TRIP11):c.4040A>G (p.Gln1347Arg)

Gene: TRIP11 (thyroid hormone receptor interactor 11; minus strand). Cytogenetic location: 14q32.12.
Variant type: single nucleotide variant.
Coding change: c.4040A>G on transcript NM_004239.4 (MANE Select); coding-DNA position 4040, A replaced by G.
Protein change: p.Gln1347Arg; replaces glutamine 1347 with arginine.
Molecular consequence: missense variant.
Genome position (GRCh38, 1-based): chr14:92,003,936, T>C on the plus strand (A>G on the coding strand, the complement: TRIP11 is on the minus strand). VCF-style: chr14-92003936-T-C. GRCh37 (hg19) VCF-style: chr14-92470280-T-C.
Other names: c.4037A>G, p.Gln1346Arg (NM_001321851.1); short protein forms Q1346R, Q1347R.
Identifiers: ClinVar variation 1920912 (VCV001920912.5), dbSNP rs762277142, ClinGen allele CA7313534.

ClinVar aggregate classification (germline): Uncertain significance (1 of 4 stars; one submission).

Conditions:
Achondrogenesis, type IA (ACG1A). Identifiers: Orphanet 932, Orphanet 93299, MedGen C0265273, MONDO:0008701, OMIM 200600.

Allele frequency attached by ClinVar (database versions not stated): gnomAD exomes below 0.00001; ExAC 0.00001.
gnomAD v4.1: 2 of 1,614,186 alleles (0.00012%); highest among the groups gnomAD compares: East Asian, 0.0022%; no homozygotes.

Submission:

Labcorp Genetics (formerly Invitae), Labcorp
Classification: Uncertain significance for Achondrogenesis, type IA. Last evaluated: 2022-06-14. Review status: criteria provided, single submitter. Criteria: Invitae Variant Classification Sherloc (09022015). Collection method: clinical testing. Allele origin: germline.
Comment: This sequence change replaces glutamine, which is neutral and polar, with arginine, which is basic and polar, at codon 1347 of the TRIP11 protein (p.Gln1347Arg). In summary, the available evidence is currently insufficient to determine the role of this variant in disease. Therefore, it has been classified as a Variant of Uncertain Significance. Algorithms developed to predict the effect of missense changes on protein structure and function output the following: SIFT: "Not Available"; PolyPhen-2: "Benign"; Align-GVGD: "Not Available". The arginine amino acid residue is found in multiple mammalian species, which suggests that this missense change does not adversely affect protein function. This variant has not been reported in the literature in individuals affected with TRIP11-related conditions. This variant is present in population databases (rs762277142, gnomAD 0.006%).